The following is an entry in ClinVar:

NM_033409.4(SLC52A3):c.23T>C (p.Leu8Pro)

Gene: SLC52A3 (solute carrier family 52 member 3; minus strand). Cytogenetic location: 20p13.
Variant type: single nucleotide variant.
Coding change: c.23T>C on transcript NM_033409.4 (MANE Select); coding-DNA position 23, T replaced by C.
Protein change: p.Leu8Pro; replaces leucine 8 with proline.
Molecular consequence: missense variant.
Genome position (GRCh38, 1-based): chr20:765,752, A>G on the plus strand (T>C on the coding strand, the complement: SLC52A3 is on the minus strand). VCF-style: chr20-765752-A-G. GRCh37 (hg19) VCF-style: chr20-746396-A-G.
Other names: c.23T>C, p.Leu8Pro (NM_001370085.1, NM_001370086.1); short protein forms L8P.
Identifiers: ClinVar variation 2118671 (VCV002118671.4), dbSNP rs2514853450, ClinGen allele CA407964701.

ClinVar aggregate classification (germline): Uncertain significance (1 of 4 stars; one submission).

Conditions:
Brown-Vialetto-van Laere syndrome 1. Also called: BROWN-VIALETTO-VAN LAERE SYNDROME 1, MILD; BULBAR PALSY, PROGRESSIVE, WITH SENSORINEURAL DEAFNESS; PONTOBULBAR PALSY WITH DEAFNESS. Identifiers: Orphanet 572550, Orphanet 97229, MedGen C0796274, MONDO:0024537, OMIM 211530.

Submission:

Labcorp Genetics (formerly Invitae), Labcorp
Classification: Uncertain significance for Brown-Vialetto-van Laere syndrome 1. Last evaluated: 2022-03-28. Review status: criteria provided, single submitter. Criteria: Invitae Variant Classification Sherloc (09022015). Collection method: clinical testing. Allele origin: germline.
Comment: In summary, the available evidence is currently insufficient to determine the role of this variant in disease. Therefore, it has been classified as a Variant of Uncertain Significance. Algorithms developed to predict the effect of missense changes on protein structure and function (SIFT, PolyPhen-2, Align-GVGD) all suggest that this variant is likely to be disruptive. This variant has not been reported in the literature in individuals affected with SLC52A3-related conditions. This variant is not present in population databases (gnomAD no frequency). This sequence change replaces leucine, which is neutral and non-polar, with proline, which is neutral and non-polar, at codon 8 of the SLC52A3 protein (p.Leu8Pro).